The following is an entry in ClinVar:

NM_014391.3(ANKRD1):c.795_797del (p.Tyr265_Lys266delinsTer)

Gene: ANKRD1 (ankyrin repeat domain 1; minus strand). Cytogenetic location: 10q23.31.
Variant type: Deletion.
Coding change: c.795_797del on transcript NM_014391.3 (MANE Select); coding-DNA positions 795 to 797, 3 bases deleted (TAA; older notation c.795_797delTAA).
Protein change: p.Tyr265_Lys266delinsTer.
Molecular consequence: nonsense.
Genome position (GRCh38, 1-based): chr10:90,915,595-90,915,597, TTA deleted on the plus strand (TAA on the coding strand, the reverse complement: ANKRD1 is on the minus strand); deleting any 3 consecutive bases within chr10:90,915,595-90,915,598 gives the same sequence; the c. name uses the placement nearest the transcript's 3' end. VCF-style (leftmost placement, unchanged base first): chr10-90915594-CTTA-C. GRCh37 (hg19) VCF-style: chr10-92675351-CTTA-C.
Identifiers: ClinVar variation 2801521 (VCV002801521.3), dbSNP rs2492955103, ClinGen allele CA2610117296.

ClinVar aggregate classification (germline): Uncertain significance (1 of 4 stars; one submission).

Conditions:
ANKRD1-related dilated cardiomyopathy. Identifiers: MedGen CN119551.

Submission:

Labcorp Genetics (formerly Invitae), Labcorp
Classification: Uncertain significance for ANKRD1-related dilated cardiomyopathy. Last evaluated: 2023-10-17. Review status: criteria provided, single submitter. Criteria: Invitae Variant Classification Sherloc (09022015). Collection method: clinical testing. Allele origin: germline.
Comment: This sequence change creates a premature translational stop signal (p.Tyr265*) in the ANKRD1 gene. It is expected to result in an absent or disrupted protein product. However, the current clinical and genetic evidence is not sufficient to establish whether loss-of-function variants in ANKRD1 cause disease. This variant is not present in population databases (gnomAD no frequency). This variant has not been reported in the literature in individuals affected with ANKRD1-related conditions. In summary, the available evidence is currently insufficient to determine the role of this variant in disease. Therefore, it has been classified as a Variant of Uncertain Significance.